The following is an entry in ClinVar:

ClinVar aggregate classification (germline): Benign. Review status: criteria provided, multiple submitters, no conflicts (2 of 4 stars). 3 submissions from 3 submitters: Benign (3). Last evaluated 2026-01-26.

Allele frequency attached by ClinVar (database versions not stated): ExAC 0.00315; gnomAD 0.01008 and 0.01087; TOPMed 0.01139; 1000 Genomes Project 30x 0.01140; 1000 Genomes Project 0.01158; ESP Exome Variant Server 0.01292; gnomAD exomes 0.00108 and 0.00267.
gnomAD v4.1: 3,193 of 1,614,180 alleles (0.2%); highest among the groups gnomAD compares: African/African-American, 3.4%; 41 homozygotes.

Submissions (6):

Labcorp Genetics (formerly Invitae), Labcorp
Classification: Benign. Last evaluated: 2026-01-26. Review status: criteria provided, single submitter. Criteria: Invitae Variant Classification Sherloc (09022015). Collection method: clinical testing. Allele origin: germline.

Mayo Clinic Laboratories, Mayo Clinic
Classification: Benign. Last evaluated: 2024-12-17. Review status: criteria provided, single submitter. Criteria: ACMG Guidelines, 2015. Collection method: clinical testing. Allele origin: germline. Observed: 2 variant alleles.
Comment: BS1, BS2, BP4_moderate

Breakthrough Genomics
Classification: Benign. Review status: criteria provided, single submitter. Criteria: ACMG Guidelines, 2015. Collection method: not provided. Allele origin: germline. Inheritance: Unknown mechanism. Affected: yes.

Dr. Peter K. Rogan Lab, Western University
No classification provided (evidence only). Condition: Cervical cancer. Review status: no classification provided. Collection method: in vitro. Allele origin: not applicable. Functional consequence: retained intron. Not counted in ClinVar's aggregate classification.

Dr. Peter K. Rogan Lab, Western University
No classification provided (evidence only). Condition: Cervical cancer. Review status: no classification provided. Collection method: in vitro. Allele origin: not applicable. Functional consequence: retained intron. Not counted in ClinVar's aggregate classification.

Dr. Peter K. Rogan Lab, Western University
No classification provided (evidence only). Condition: Sarcoma. Review status: no classification provided. Collection method: in vitro. Allele origin: not applicable. Functional consequence: retained intron. Not counted in ClinVar's aggregate classification.

NM_001253697.2(ERBIN):c.2741A>G (p.Lys914Arg)

Gene: ERBIN (erbb2 interacting protein; plus strand). Cytogenetic location: 5q12.3.
Variant type: single nucleotide variant.
Coding change: c.2741A>G on transcript NM_001253697.2 (MANE Select); coding-DNA position 2741, A replaced by G.
Protein change: p.Lys914Arg; replaces lysine 914 with arginine.
Molecular consequence: missense variant.
Genome position (GRCh38, 1-based): chr5:66,054,059, A>G. VCF-style: chr5-66054059-A-G. GRCh37 (hg19) VCF-style: chr5-65349887-A-G.
Other names: p.Lys914Arg; c.2741A>G, p.Lys914Arg (NM_001006600.3, NM_001253698.2, NM_001253699.2 and 1 more transcripts); c.2729A>G, p.Lys910Arg (NM_001253701.2); short protein forms K910R, K914R.
Identifiers: ClinVar variation 768005 (VCV000768005.12), dbSNP rs34521887, ClinGen allele CA3286533.